The following is an entry in ClinVar:

NM_152594.3(SPRED1):c.472C>G (p.Gln158Glu)

Gene: SPRED1 (sprouty related EVH1 domain containing 1; plus strand). Cytogenetic location: 15q14.
Variant type: single nucleotide variant.
Coding change: c.472C>G on transcript NM_152594.3 (MANE Select); coding-DNA position 472, C replaced by G.
Protein change: p.Gln158Glu; replaces glutamine 158 with glutamic acid.
Molecular consequence: missense variant.
Genome position (GRCh38, 1-based): chr15:38,339,785, C>G. VCF-style: chr15-38339785-C-G. GRCh37 (hg19) VCF-style: chr15-38631986-C-G.
Other names: short protein forms Q158E.
Identifiers: ClinVar variation 4174025 (VCV004174025.1).

ClinVar aggregate classification (germline): Uncertain significance (1 of 4 stars; one submission).

Conditions:
Cardiovascular phenotype. Identifiers: MedGen CN230736.

Submission:

Ambry Genetics
Classification: Uncertain significance for Cardiovascular phenotype. Last evaluated: 2025-06-20. Review status: criteria provided, single submitter. Criteria: Ambry Variant Classification Scheme 2023. Collection method: clinical testing. Allele origin: germline.
Comment: The p.Q158E variant (also known as c.472C>G), located in coding exon 5 of the SPRED1 gene, results from a C to G substitution at nucleotide position 472. The glutamine at codon 158 is replaced by glutamic acid, an amino acid with highly similar properties. This amino acid position is conserved. In addition, this alteration is predicted to be tolerated by in silico analysis. Based on the available evidence, the clinical significance of this variant remains unclear.